The following is an entry in ClinVar:

NM_024642.5(GALNT12):c.646G>A (p.Ala216Thr)

Gene: GALNT12 (polypeptide N-acetylgalactosaminyltransferase 12; plus strand). Cytogenetic location: 9q22.33.
Variant type: single nucleotide variant.
Coding change: c.646G>A on transcript NM_024642.5 (MANE Select); coding-DNA position 646, G replaced by A.
Protein change: p.Ala216Thr; replaces alanine 216 with threonine.
Molecular consequence: missense variant.
Genome position (GRCh38, 1-based): chr9:98,826,856, G>A. VCF-style: chr9-98826856-G-A. GRCh37 (hg19) VCF-style: chr9-101589138-G-A.
Other names: short protein forms A216T.
Identifiers: ClinVar variation 826425 (VCV000826425.13), dbSNP rs770798296, ClinGen allele CA196819545.

ClinVar aggregate classification (germline): Uncertain significance. Review status: criteria provided, multiple submitters, no conflicts (2 of 4 stars). 2 submissions from 2 submitters: Uncertain significance (2). Last evaluated 2025-04-28.

Allele frequency attached by ClinVar (database versions not stated): gnomAD 0.00001; TOPMed 0.00002.
gnomAD v4.1: 13 of 1,605,802 alleles (0.00081%); highest among the groups gnomAD compares: Non-Finnish European, 0.0011%; no homozygotes.

Submissions (2):

Ambry Genetics
Classification: Uncertain significance. Last evaluated: 2025-04-28. Review status: criteria provided, single submitter. Criteria: Ambry Variant Classification Scheme 2023. Collection method: clinical testing. Allele origin: germline.
Comment: The p.A216T variant (also known as c.646G>A), located in coding exon 3 of the GALNT12 gene, results from a G to A substitution at nucleotide position 646. The alanine at codon 216 is replaced by threonine, an amino acid with similar properties. This amino acid position is highly conserved in available vertebrate species. In addition, this alteration is predicted to be deleterious by in silico analysis. Since supporting evidence is limited at this time, the clinical significance of this alteration remains unclear.

Labcorp Genetics (formerly Invitae), Labcorp
Classification: Uncertain significance. Last evaluated: 2024-05-22. Review status: criteria provided, single submitter. Criteria: Invitae Variant Classification Sherloc (09022015). Collection method: clinical testing. Allele origin: germline.
Comment: This sequence change replaces alanine, which is neutral and non-polar, with threonine, which is neutral and polar, at codon 216 of the GALNT12 protein (p.Ala216Thr). The frequency data for this variant in the population databases is considered unreliable, as metrics indicate poor data quality at this position in the gnomAD database. This variant has not been reported in the literature in individuals affected with GALNT12-related conditions. ClinVar contains an entry for this variant (Variation ID: 826425). Advanced modeling of protein sequence and biophysical properties (such as structural, functional, and spatial information, amino acid conservation, physicochemical variation, residue mobility, and thermodynamic stability) performed at Invitae indicates that this missense variant is not expected to disrupt GALNT12 protein function with a negative predictive value of 80%. In summary, the available evidence is currently insufficient to determine the role of this variant in disease. Therefore, it has been classified as a Variant of Uncertain Significance.